The following is an entry in ClinVar:

ClinVar aggregate classification (germline): Uncertain significance (1 of 4 stars; one submission).

Conditions:
Bardet-Biedl syndrome (BBS). Identifiers: Orphanet 110, MedGen C0752166, MONDO:0015229.

Allele frequency attached by ClinVar (database versions not stated): gnomAD exomes below 0.00001.
gnomAD v4.1: 6 of 1,613,822 alleles (0.00037%); highest among the groups gnomAD compares: Non-Finnish European, 0.00051%; no homozygotes.

Submission:

Labcorp Genetics (formerly Invitae), Labcorp
Classification: Uncertain significance for Bardet-Biedl syndrome. Last evaluated: 2022-09-13. Review status: criteria provided, single submitter. Criteria: Invitae Variant Classification Sherloc (09022015). Collection method: clinical testing. Allele origin: germline.
Comment: This variant has not been reported in the literature in individuals affected with BBS4-related conditions. Algorithms developed to predict the effect of missense changes on protein structure and function are either unavailable or do not agree on the potential impact of this missense change (SIFT: "Deleterious"; PolyPhen-2: "Benign"; Align-GVGD: "Class C45"). In summary, the available evidence is currently insufficient to determine the role of this variant in disease. Therefore, it has been classified as a Variant of Uncertain Significance. This sequence change replaces isoleucine, which is neutral and non-polar, with threonine, which is neutral and polar, at codon 39 of the BBS4 protein (p.Ile39Thr). This variant is not present in population databases (gnomAD no frequency).

NM_033028.5(BBS4):c.116T>C (p.Ile39Thr)

Gene: BBS4 (Bardet-Biedl syndrome 4; plus strand). Cytogenetic location: 15q24.1.
Variant type: single nucleotide variant.
Coding change: c.116T>C on transcript NM_033028.5 (MANE Select); coding-DNA position 116, T replaced by C.
Protein change: p.Ile39Thr; replaces isoleucine 39 with threonine.
Molecular consequence: missense variant. On other transcripts: 5 prime UTR variant (1), non-coding transcript variant (2).
Genome position (GRCh38, 1-based): chr15:72,709,739, T>C. VCF-style: chr15-72709739-T-C. GRCh37 (hg19) VCF-style: chr15-73002080-T-C.
Other names: c.-406T>C (NM_001252678.2); c.116T>C, p.Ile39Thr (NM_001320665.2); short protein forms I39T.
Identifiers: ClinVar variation 2001216 (VCV002001216.4), dbSNP rs2542931922, ClinGen allele CA393075838.
Genomic context (GRCh38, chr15:72,709,739, plus strand): 5'-TTGTCAAAATATGCTGCCTAGCTCCAGAGTTTCCTATTTTGGAGAAGCAGAACTGGTTGA[T>C]TCATCTTCATTATATCCGGAAAGATTATGAAGCCTGCAAGGTAAGAGATTGCCATAATAA-3'
Protein context (NP_149017.2, residues 29-49): FPILEKQNWL[Ile39Thr]HLHYIRKDYE